The following is an entry in ClinVar:

ClinVar aggregate classification (germline): Pathogenic (1 of 4 stars; one submission).

Conditions:
Multiple congenital exostosis (EXT). Also called: MULTIPLE CARTILAGINOUS EXOSTOSES; Hereditary multiple osteochondromas; Hereditary multiple exostoses; Hereditary multiple exostosis; Multiple osteochondromas; Multiple exostoses. Identifiers: Orphanet 321, MedGen C0015306, MONDO:0005508, HP:0002762.

Submission:

Labcorp Genetics (formerly Invitae), Labcorp
Classification: Pathogenic for Multiple congenital exostosis. Last evaluated: 2024-03-31. Review status: criteria provided, single submitter. Criteria: Invitae Variant Classification Sherloc (09022015). Collection method: clinical testing. Allele origin: germline.
Comment: This sequence change creates a premature translational stop signal (p.Ser130Lysfs*59) in the EXT1 gene. It is expected to result in an absent or disrupted protein product. Loss-of-function variants in EXT1 are known to be pathogenic (PMID: 10679937, 11391482, 19810120). This variant is not present in population databases (gnomAD no frequency). This variant has not been reported in the literature in individuals affected with EXT1-related conditions. For these reasons, this variant has been classified as Pathogenic.

Literature cited by the submitters: PubMed 10679937; PubMed 11391482; PubMed 19810120.

NM_000127.3(EXT1):c.388dup (p.Ser130fs)

Gene: EXT1 (exostosin glycosyltransferase 1; minus strand). Cytogenetic location: 8q24.11.
Variant type: Duplication.
Coding change: c.388dup on transcript NM_000127.3 (MANE Select); coding-DNA position 388, one base duplicated (A; older notation c.388dupA).
Protein change: p.Ser130fs; shifts the reading frame from serine 130.
Molecular consequence: frameshift variant.
Genome position (GRCh38, 1-based): chr8:118,110,659, T duplicated on the plus strand (A on the coding strand, the reverse complement: EXT1 is on the minus strand); the first of 3 consecutive T bases (chr8:118,110,659-118,110,661); duplicating any one gives the same sequence. VCF-style (leftmost placement, unchanged base first): chr8-118110658-C-CT. GRCh37 (hg19) VCF-style: chr8-119122897-C-CT.
Other names: short protein forms S130fs.
Identifiers: ClinVar variation 3648256 (VCV003648256.2).